The following is an entry in ClinVar:

ClinVar aggregate classification (germline): Uncertain significance (1 of 4 stars; one submission).

Allele frequency attached by ClinVar (database versions not stated): gnomAD exomes below 0.00001; TOPMed below 0.00001.
gnomAD v4.1: 1 of 1,614,148 alleles (0.000062%); highest among the groups gnomAD compares: Non-Finnish European, 0.000085%; no homozygotes.

Submission:

Labcorp Genetics (formerly Invitae), Labcorp
Classification: Uncertain significance. Last evaluated: 2024-04-25. Review status: criteria provided, single submitter. Criteria: Invitae Variant Classification Sherloc (09022015). Collection method: clinical testing. Allele origin: germline.
Comment: This sequence change replaces lysine, which is basic and polar, with threonine, which is neutral and polar, at codon 854 of the KIDINS220 protein (p.Lys854Thr). This variant is present in population databases (no rsID available, gnomAD 0.007%). This variant has not been reported in the literature in individuals affected with KIDINS220-related conditions. An algorithm developed to predict the effect of missense changes on protein structure and function (PolyPhen-2) suggests that this variant is likely to be disruptive. In summary, the available evidence is currently insufficient to determine the role of this variant in disease. Therefore, it has been classified as a Variant of Uncertain Significance.

NM_020738.4(KIDINS220):c.2561A>C (p.Lys854Thr)

Gene: KIDINS220 (kinase D interacting substrate 220; minus strand). Cytogenetic location: 2p25.1.
Variant type: single nucleotide variant.
Coding change: c.2561A>C on transcript NM_020738.4 (MANE Select); coding-DNA position 2561, A replaced by C.
Protein change: p.Lys854Thr; replaces lysine 854 with threonine.
Molecular consequence: missense variant. On other transcripts: non-coding transcript variant (2).
Genome position (GRCh38, 1-based): chr2:8,778,949, T>G on the plus strand (A>C on the coding strand, the complement: KIDINS220 is on the minus strand). VCF-style: chr2-8778949-T-G. GRCh37 (hg19) VCF-style: chr2-8919079-T-G.
Other names: c.2564A>C, p.Lys855Thr (NM_001348731.2, NM_001348734.2, NM_001348739.2 and 3 more transcripts); c.2561A>C, p.Lys854Thr (NM_001348732.2, NM_001348735.2, NM_001348738.2 and 3 more transcripts); c.2435A>C, p.Lys812Thr (NM_001348736.2); short protein forms K812T, K854T, K855T.
Identifiers: ClinVar variation 2853458 (VCV002853458.3), dbSNP rs1182717087, ClinGen allele CA345759914.